The following is an entry in ClinVar:

ClinVar aggregate classification (germline): Uncertain significance (1 of 4 stars; one submission).

Conditions:
Inborn genetic diseases. Identifiers: MedGen C0950123, MeSH D030342.

gnomAD v4.1: 2 of 1,613,958 alleles (0.00012%); highest among the groups gnomAD compares: Non-Finnish European, 0.00017%; no homozygotes.

Submission:

Ambry Genetics
Classification: Uncertain significance for Inborn genetic diseases. Last evaluated: 2026-07-05. Review status: criteria provided, single submitter. Criteria: Ambry Variant Classification Scheme 2023. Collection method: clinical testing. Allele origin: germline.
Comment: The p.P128T variant (also known as c.382C>A), located in coding exon 4 of the FANCA gene, results from a C to A substitution at nucleotide position 382. The proline at codon 128 is replaced by threonine, an amino acid with highly similar properties. This amino acid position is conserved. In addition, this alteration is predicted to be tolerated by in silico analysis. Based on the available evidence, the clinical significance of this variant remains unclear.

NM_000135.4(FANCA):c.382C>A (p.Pro128Thr)

Gene: FANCA (FA complementation group A; minus strand). Cytogenetic location: 16q24.3.
Variant type: single nucleotide variant.
Coding change: c.382C>A on transcript NM_000135.4 (MANE Select); coding-DNA position 382, C replaced by A.
Protein change: p.Pro128Thr; replaces proline 128 with threonine.
Molecular consequence: missense variant.
Genome position (GRCh38, 1-based): chr16:89,810,973, G>T on the plus strand (C>A on the coding strand, the complement: FANCA is on the minus strand). VCF-style: chr16-89810973-G-T. GRCh37 (hg19) VCF-style: chr16-89877381-G-T.
Other names: c.382C>A, p.Pro128Thr (NM_001018112.3, NM_001286167.3, NM_001351830.2); short protein forms P128T.
Identifiers: ClinVar variation 5036339 (VCV005036339.1).